The following is an entry in ClinVar:

NM_000254.3(MTR):c.891T>A (p.Tyr297Ter)

Gene: MTR (5-methyltetrahydrofolate-homocysteine methyltransferase; plus strand). Cytogenetic location: 1q43.
Variant type: single nucleotide variant.
Coding change: c.891T>A on transcript NM_000254.3 (MANE Select); coding-DNA position 891, T replaced by A.
Protein change: p.Tyr297Ter; replaces tyrosine 297 with a stop codon.
Molecular consequence: nonsense. On other transcripts: 5 prime UTR variant (1).
Genome position (GRCh38, 1-based): chr1:236,825,363, T>A. VCF-style: chr1-236825363-T-A. GRCh37 (hg19) VCF-style: chr1-236988663-T-A.
Other names: c.891T>A, p.Tyr297Ter (NM_001291939.1, NM_001410942.1); c.-218T>A (NM_001291940.2); short protein forms Y297*.
Identifiers: ClinVar variation 4716989 (VCV004716989.1).
Genomic context (GRCh38, chr1:236,825,363, plus strand): 5'-CAATTTGCAATAATGGTTGAATTATCCTTTCTCAGGTCTTCCCAACACCTTTGGTGACTA[T>A]GATGAAACGCCTTCTATGATGGCCAAGCACCTAAAGGTCAGGGGTCCCCCTTTCACTGGC-3'

ClinVar aggregate classification (germline): Pathogenic (1 of 4 stars; one submission).

Conditions:
Methylcobalamin deficiency type cblG (HMAG). Also called: HOMOCYSTINURIA-MEGALOBLASTIC ANEMIA, cblG COMPLEMENTATION TYPE; Functional methionine synthase deficiency type cblG; HOMOCYSTINURIA-MEGALOBLASTIC ANEMIA DUE TO DEFECT IN COBALAMIN METABOLISM, cblG COMPLEMENTATION TYPE; HOMOCYSTINURIA-MEGALOBLASTIC ANEMIA, cblG TYPE. Identifiers: Orphanet 2170, Orphanet 622, MedGen C1855128, MONDO:0009609, OMIM 250940.

Submission:

Labcorp Genetics (formerly Invitae), Labcorp
Classification: Pathogenic for Methylcobalamin deficiency type cblG. Last evaluated: 2025-04-09. Review status: criteria provided, single submitter. Criteria: Invitae Variant Classification Sherloc (09022015). Collection method: clinical testing. Allele origin: germline.
Comment: This sequence change creates a premature translational stop signal (p.Tyr297*) in the MTR gene. It is expected to result in an absent or disrupted protein product. Loss-of-function variants in MTR are known to be pathogenic (PMID: 9683607, 12068375). This variant is not present in population databases (gnomAD no frequency). This variant has not been reported in the literature in individuals affected with MTR-related conditions. Algorithms developed to predict the effect of sequence changes on RNA splicing suggest that this variant may disrupt the consensus splice site. For these reasons, this variant has been classified as Pathogenic.

Literature cited by the submitters: PubMed 9683607; PubMed 12068375.